The following is an entry in ClinVar:

NM_020631.6(PLEKHG5):c.1383C>T (p.Ala461=)

Gene: PLEKHG5 (pleckstrin homology and RhoGEF domain containing G5; minus strand). Cytogenetic location: 1p36.31.
Variant type: single nucleotide variant.
Coding change: c.1383C>T on transcript NM_020631.6 (MANE Select); coding-DNA position 1383, C replaced by T.
Protein change: p.Ala461=; no amino-acid change (alanine 461 retained).
Molecular consequence: synonymous variant.
Genome position (GRCh38, 1-based): chr1:6,470,999, G>A on the plus strand (C>T on the coding strand, the complement: PLEKHG5 is on the minus strand). VCF-style: chr1-6470999-G-A. GRCh37 (hg19) VCF-style: chr1-6531059-G-A.
Other names: c.1494C>T, p.Ala498= (NM_001042663.3, NM_001265592.2); c.1383C>T, p.Ala461= (NM_001042664.2, NM_001042665.2, NM_001265594.3 and 1 more transcripts); c.1590C>T, p.Ala530= (NM_001265593.2).
Identifiers: ClinVar variation 511053 (VCV000511053.12), dbSNP rs200957791, ClinGen allele CA561547.

ClinVar aggregate classification (germline): Likely benign. Review status: criteria provided, multiple submitters, no conflicts (2 of 4 stars). 4 submissions from 4 submitters: Likely benign (4). Last evaluated 2024-06-07.

Conditions:
Inborn genetic diseases. Identifiers: MedGen C0950123, MeSH D030342.
Neuronopathy, distal hereditary motor, autosomal recessive 4. Also called: NEUROPATHY, DISTAL HEREDITARY MOTOR, AUTOSOMAL RECESSIVE 4; Autosomal recessive lower motor neuron disease with childhood onset. Identifiers: Orphanet 206580, MedGen C1970211, MONDO:0012608, OMIM 611067.
Charcot-Marie-Tooth disease recessive intermediate C. Also called: CHARCOT-MARIE-TOOTH NEUROPATHY, RECESSIVE INTERMEDIATE C. Identifiers: Orphanet 369867, MedGen C3809309, MONDO:0014154, OMIM 615376.

Allele frequency attached by ClinVar (database versions not stated): gnomAD exomes 0.00002 and 0.00006; TOPMed 0.00003; gnomAD 0.00004 and 0.00006; ExAC 0.00013; 1000 Genomes Project 0.00020; 1000 Genomes Project 30x 0.00031.
gnomAD v4.1: 36 of 1,603,194 alleles (0.0022%); highest among the groups gnomAD compares: East Asian, 0.077%; no homozygotes.

Submissions (4):

Blueprint Genetics
Classification: Likely benign. Last evaluated: 2024-06-07. Review status: criteria provided, single submitter. Criteria: ACMG Guidelines, 2015. Collection method: clinical testing. Allele origin: germline.

Labcorp Genetics (formerly Invitae), Labcorp
Classification: Likely benign for Neuronopathy, distal hereditary motor, autosomal recessive 4; Charcot-Marie-Tooth disease recessive intermediate C. Last evaluated: 2024-03-14. Review status: criteria provided, single submitter. Criteria: Invitae Variant Classification Sherloc (09022015). Collection method: clinical testing. Allele origin: germline.

Ambry Genetics
Classification: Likely benign for Inborn genetic diseases. Last evaluated: 2019-07-11. Review status: criteria provided, single submitter. Criteria: Ambry Variant Classification Scheme 2023. Collection method: clinical testing. Allele origin: germline.

GeneDx
Classification: Likely benign. Last evaluated: 2017-07-28. Review status: criteria provided, single submitter. Criteria: GeneDx Variant Classification (06012015). Collection method: clinical testing. Allele origin: germline. Affected: yes.
Comment: This variant is considered likely benign or benign based on one or more of the following criteria: it is a conservative change, it occurs at a poorly conserved position in the protein, it is predicted to be benign by multiple in silico algorithms, and/or has population frequency not consistent with disease.